The following is an entry in ClinVar:

NM_000016.6(ACADM):c.1034A>T (p.Asp345Val)

Gene: ACADM (acyl-CoA dehydrogenase medium chain; plus strand). Cytogenetic location: 1p31.1.
Variant type: single nucleotide variant.
Coding change: c.1034A>T on transcript NM_000016.6 (MANE Select); coding-DNA position 1034, A replaced by T.
Protein change: p.Asp345Val; replaces aspartic acid 345 with valine.
Molecular consequence: missense variant.
Genome position (GRCh38, 1-based): chr1:75,761,210, A>T. VCF-style: chr1-75761210-A-T. GRCh37 (hg19) VCF-style: chr1-76226895-A-T.
Other names: c.1046A>T, p.Asp349Val (NM_001127328.3); c.926A>T, p.Asp309Val (NM_001286042.2); c.1133A>T, p.Asp378Val (NM_001286043.2); c.467A>T, p.Asp156Val (NM_001286044.2); short protein forms D345V, D156V, D349V, D309V, D378V.
Identifiers: ClinVar variation 458788 (VCV000458788.10), dbSNP rs771978135, ClinGen allele CA913267.

ClinVar aggregate classification (germline): Pathogenic/Likely pathogenic. Review status: criteria provided, multiple submitters, no conflicts (2 of 4 stars). 3 submissions from 3 submitters: Pathogenic (1); Likely pathogenic (1). 1 of the submissions does not count toward it. Last evaluated 2025-10-29.

Conditions:
Medium-chain acyl-coenzyme A dehydrogenase deficiency (ACADMD). Also called: MCADH DEFICIENCY; MCADD; Medium chain acyl-CoA dehydrogenase deficiency; CARNITINE DEFICIENCY SECONDARY TO MEDIUM-CHAIN ACYL-CoA DEHYDROGENASE DEFICIENCY; ACADM DEFICIENCY; MCAD Deficiency. Identifiers: Orphanet 42, MedGen C0220710, MONDO:0008721, OMIM 201450.

Allele frequency attached by ClinVar (database versions not stated): gnomAD exomes below 0.00001; ExAC 0.00001.
gnomAD v4.1: 1 of 1,614,200 alleles (0.000062%); highest among the groups gnomAD compares: Admixed American, 0.0017%; no homozygotes.

Submissions (3):

Labcorp Genetics (formerly Invitae), Labcorp
Classification: Pathogenic for Medium-chain acyl-coenzyme A dehydrogenase deficiency. Last evaluated: 2025-10-29. Review status: criteria provided, single submitter. Criteria: Invitae Variant Classification Sherloc (09022015). Collection method: clinical testing. Allele origin: germline.
Comment: This sequence change replaces aspartic acid, which is acidic and polar, with valine, which is neutral and non-polar, at codon 345 of the ACADM protein (p.Asp345Val). This variant is present in population databases (rs771978135, gnomAD 0.003%). This missense change has been observed in individual(s) with clinical features of medium-chain acyl-coenzyme A dehydrogenase deficiency (internal data). ClinVar contains an entry for this variant (Variation ID: 458788). Invitae Evidence Modeling of protein sequence and biophysical properties (such as structural, functional, and spatial information, amino acid conservation, physicochemical variation, residue mobility, and thermodynamic stability) has been performed for this missense variant. However, the output from this modeling did not meet the statistical confidence thresholds required to predict the impact of this variant on ACADM protein function. This variant disrupts the p.Asp345 amino acid residue in ACADM. Other variant(s) that disrupt this residue have been determined to be pathogenic (PMID: 23028790, 24966162). This suggests that this residue is clinically significant, and that variants that disrupt this residue are likely to be disease-causing. For these reasons, this variant has been classified as Pathogenic.

Fulgent Genetics
Classification: Likely pathogenic for Medium-chain acyl-coenzyme A dehydrogenase deficiency. Last evaluated: 2024-04-11. Review status: criteria provided, single submitter. Criteria: ACMG Guidelines, 2015. Collection method: clinical testing. Allele origin: germline.

Natera, Inc.
Classification: Uncertain significance for Medium-chain acyl-coenzyme a dehydrogenase deficiency. Last evaluated: 2020-09-16. Review status: no assertion criteria provided. Collection method: clinical testing. Allele origin: germline. Not counted in ClinVar's aggregate classification.

Literature cited by the submitters: PubMed 23028790 (cited by Labcorp Genetics (formerly Invitae), Labcorp); PubMed 24966162 (cited by Labcorp Genetics (formerly Invitae), Labcorp).